The following is an entry in ClinVar:

NM_001367561.1(DOCK7):c.2801G>A (p.Gly934Asp)

Gene: DOCK7 (dedicator of cytokinesis 7; minus strand). Cytogenetic location: 1p31.3.
Variant type: single nucleotide variant.
Coding change: c.2801G>A on transcript NM_001367561.1 (MANE Select); coding-DNA position 2801, G replaced by A.
Protein change: p.Gly934Asp; replaces glycine 934 with aspartic acid.
Molecular consequence: missense variant. On other transcripts: intron variant (3).
Genome position (GRCh38, 1-based): chr1:62,545,005, C>T on the plus strand (G>A on the coding strand, the complement: DOCK7 is on the minus strand). VCF-style: chr1-62545005-C-T. GRCh37 (hg19) VCF-style: chr1-63010676-C-T.
Other names: c.2801G>A, p.Gly934Asp (NM_001271999.2, NM_001330614.2); c.2767-1260G>A (NM_001272001.2, NM_001272000.2, NM_033407.4); short protein forms G934D.
Identifiers: ClinVar variation 1040208 (VCV001040208.9), dbSNP rs1176980338, ClinGen allele CA340616066.

ClinVar aggregate classification (germline): Uncertain significance (1 of 4 stars; one submission).

Conditions:
Developmental and epileptic encephalopathy, 23 (DEE23). Also called: Epileptic encephalopathy, early infantile, 23. Identifiers: Orphanet 411986, MedGen C4014492, MONDO:0014371, OMIM 615859.

Allele frequency attached by ClinVar (database versions not stated): gnomAD exomes below 0.00001.
gnomAD v4.1: 2 of 1,549,794 alleles (0.00013%); highest among the groups gnomAD compares: Non-Finnish European, 0.00017%; no homozygotes.

Submission:

Labcorp Genetics (formerly Invitae), Labcorp
Classification: Uncertain significance for Developmental and epileptic encephalopathy, 23. Last evaluated: 2020-07-23. Review status: criteria provided, single submitter. Criteria: Invitae Variant Classification Sherloc (09022015). Collection method: clinical testing. Allele origin: germline.
Comment: In summary, the available evidence is currently insufficient to determine the role of this variant in disease. Therefore, it has been classified as a Variant of Uncertain Significance. This variant has not been reported in the literature in individuals with DOCK7-related conditions. Algorithms developed to predict the effect of missense changes on protein structure and function are either unavailable or do not agree on the potential impact of this missense change (SIFT: "Not Available"; PolyPhen-2: "Possibly Damaging"; Align-GVGD: "Class C0"). This sequence change replaces glycine with aspartic acid at codon 934 of the DOCK7 protein (p.Gly934Asp). The glycine residue is weakly conserved and there is a moderate physicochemical difference between glycine and aspartic acid. The frequency data for this variant in the population databases is considered unreliable, as metrics indicate insufficient coverage at this position in the ExAC database.